The following is an entry in ClinVar:

ClinVar aggregate classification (germline): Likely pathogenic (1 of 4 stars; one submission).

Conditions:
Hearing loss, autosomal dominant 74. Also called: DEAFNESS, AUTOSOMAL DOMINANT 74. Identifiers: MedGen C4748334, MONDO:0029137, OMIM 618140.

Submission:

Precision Medicine Center, Zhengzhou University
Classification: Likely pathogenic for Hearing loss, autosomal dominant 74. Last evaluated: 2006-06-30. Review status: criteria provided, single submitter. Criteria: ClinGen HL ACMG Specifications v1. Collection method: clinical testing. Allele origin: paternal. Affected: yes.
Comment: PM2+PP3+PP1_Strong:The missense variant exhibits an extremely low allele frequency with negligible population prevalence in the gnomAD population database , indicating it is a rare variant in the general human population (PM2). Multiple authoritative in silico functional prediction tools consistently predicted this missense variant to be deleterious, with uniform results supporting a damaging impact on PDE1C gene function and protein structure (PP3). Segregation in five affected relatives for dominant(PP1_Strong). In summary, this PDE1C c.1374C>G (p.Phe398Leu) variant meets the ACMG/AMP variant classification criteria and can be classified as likely pathogenic based on the combined evidence of PM2, PP3, and PP1_Strong.

NM_001191057.4(PDE1C):c.1194C>G (p.Phe398Leu)

Gene: PDE1C (phosphodiesterase 1C; minus strand). Cytogenetic location: 7p14.3.
Variant type: single nucleotide variant.
Coding change: c.1194C>G on transcript NM_001191057.4 (MANE Select); coding-DNA position 1194, C replaced by G.
Protein change: p.Phe398Leu; replaces phenylalanine 398 with leucine.
Molecular consequence: missense variant.
Genome position (GRCh38, 1-based): chr7:31,837,189, G>C on the plus strand (C>G on the coding strand, the complement: PDE1C is on the minus strand). VCF-style: chr7-31837189-G-C. GRCh37 (hg19) VCF-style: chr7-31876803-G-C.
Other names: c.1194C>G, p.Phe398Leu (NM_001191056.3, NM_001191059.4, NM_001322055.2 and 3 more transcripts); c.1374C>G, p.Phe458Leu (NM_001191058.4, NM_001322058.2); c.1599C>G, p.Phe533Leu (NM_001322059.2); short protein forms F398L, F458L, F533L.
Identifiers: ClinVar variation 4857410 (VCV004857410.1).